The following is an entry in ClinVar:

NM_006017.3(PROM1):c.1591C>T (p.Pro531Ser)

Gene: PROM1 (prominin 1; minus strand). Cytogenetic location: 4p15.32.
Variant type: single nucleotide variant.
Coding change: c.1591C>T on transcript NM_006017.3 (MANE Select); coding-DNA position 1591, C replaced by T.
Protein change: p.Pro531Ser; replaces proline 531 with serine.
Molecular consequence: missense variant.
Genome position (GRCh38, 1-based): chr4:15,998,476, G>A on the plus strand (C>T on the coding strand, the complement: PROM1 is on the minus strand). VCF-style: chr4-15998476-G-A. GRCh37 (hg19) VCF-style: chr4-16000099-G-A.
Other names: c.1564C>T, p.Pro522Ser (NM_001145847.2, NM_001145848.2, NM_001145851.2 and 4 more transcripts); c.1591C>T, p.Pro531Ser (NM_001145849.2, NM_001145850.2); short protein forms P531S, P522S.
Identifiers: ClinVar variation 1462112 (VCV001462112.6), dbSNP rs768200385, ClinGen allele CA2866708.
Genomic context (GRCh38, chr4:15,998,476, plus strand): 5'-TTGATTTATTAAATAGCTTCCCAGAGAGATAGTATTCCCAGTCTTCATTTAGTAAGTAGG[G>A]TGTATCCAAAACCTAGAACACATTAGGAAGTATTTTCGAAAAATCAGTTTTACACTAACA-3'
Protein context (NP_006008.1, residues 521-541): SKELFRVLDT[Pro531Ser]YLLNEDWEYY

ClinVar aggregate classification (germline): Uncertain significance (1 of 4 stars; one submission).

Allele frequency attached by ClinVar (database versions not stated): ExAC 0.00001; gnomAD 0.00001.
gnomAD v4.1: 5 of 1,607,922 alleles (0.00031%); highest among the groups gnomAD compares: Admixed American, 0.0034%; no homozygotes.

Submission:

Labcorp Genetics (formerly Invitae), Labcorp
Classification: Uncertain significance. Last evaluated: 2025-07-10. Review status: criteria provided, single submitter. Criteria: Invitae Variant Classification Sherloc (09022015). Collection method: clinical testing. Allele origin: germline.
Comment: This sequence change replaces proline, which is neutral and non-polar, with serine, which is neutral and polar, at codon 531 of the PROM1 protein (p.Pro531Ser). This variant is present in population databases (rs768200385, gnomAD 0.003%). This variant has not been reported in the literature in individuals affected with PROM1-related conditions. ClinVar contains an entry for this variant (Variation ID: 1462112). Invitae Evidence Modeling of protein sequence and biophysical properties (such as structural, functional, and spatial information, amino acid conservation, physicochemical variation, residue mobility, and thermodynamic stability) indicates that this missense variant is expected to disrupt PROM1 protein function with a positive predictive value of 80%. In summary, the available evidence is currently insufficient to determine the role of this variant in disease. Therefore, it has been classified as a Variant of Uncertain Significance.